The following is an entry in ClinVar:

NM_007294.4(BRCA1):c.4190G>A (p.Arg1397Lys)

Gene: BRCA1 (BRCA1 DNA repair associated; minus strand). Cytogenetic location: 17q21.31.
Variant type: single nucleotide variant.
Coding change: c.4190G>A on transcript NM_007294.4 (MANE Select); coding-DNA position 4190, G replaced by A.
Protein change: p.Arg1397Lys; replaces arginine 1397 with lysine.
Molecular consequence: missense variant. On other transcripts: non-coding transcript variant (1).
Genome position (GRCh38, 1-based): chr17:43,082,571, C>T on the plus strand (G>A on the coding strand, the complement: BRCA1 is on the minus strand). VCF-style: chr17-43082571-C-T. GRCh37 (hg19) VCF-style: chr17-41234588-C-T.
Other names: c.4049G>A, p.Arg1350Lys (NM_001407728.1, NM_001407729.1, NM_001407730.1 and 23 more transcripts); c.755G>A, p.Arg252Lys (NM_001408434.1, NM_001408432.1, NM_001408433.1 and 10 more transcripts); c.761G>A, p.Arg254Lys (NM_001408431.1, NM_001408421.1, NM_001408424.1); c.758G>A, p.Arg253Lys (NM_001408430.1, NM_001408425.1, NM_001408426.1 and 8 more transcripts); c.3977G>A, p.Arg1326Lys (NM_001407571.1, NM_001407853.1, NM_001407894.1 and 12 more transcripts); c.4190G>A, p.Arg1397Lys (NM_001407581.1, NM_001407582.1, NM_001407583.1 and 23 more transcripts); c.4187G>A, p.Arg1396Lys (NM_001407587.1, NM_001407590.1, NM_001407591.1 and 21 more transcripts); c.4184G>A, p.Arg1395Lys (NM_001407627.1, NM_001407628.1, NM_001407629.1 and 5 more transcripts); and 51 more; short protein forms R1397K, R1350K, R294K, R1101K, R126K, R1270K, R1285K, R1308K.
Identifiers: ClinVar variation 630120 (VCV000630120.9), dbSNP rs767421571, ClinGen allele CA059639.

ClinVar aggregate classification (germline): Uncertain significance. Review status: criteria provided, multiple submitters, no conflicts (2 of 4 stars). 3 submissions from 3 submitters: Uncertain significance (3). Last evaluated 2025-09-27.

Conditions:
Hereditary cancer-predisposing syndrome. Also called: Neoplastic Syndromes, Hereditary; Tumor predisposition; Hereditary neoplastic syndrome; Hereditary Cancer Syndrome. Identifiers: Orphanet 140162, MedGen C0027672, MeSH D009386, MONDO:0015356.
Hereditary breast ovarian cancer syndrome. Also called: Hereditary breast and ovarian cancer syndrome; Hereditary breast and ovarian cancer; Hereditary breast and ovarian cancer syndrome (HBOC); Breast and ovarian cancer; Hereditary breast and/or ovarian cancer syndrome; BRCA1- and BRCA2-Associated Hereditary Breast and Ovarian Cancer. Identifiers: Orphanet 145, MedGen C0677776, MeSH D061325, MONDO:0003582. Disease mechanism: loss of function.

Allele frequency attached by ClinVar (database versions not stated): gnomAD exomes below 0.00001; ExAC 0.00001.
gnomAD v4.1: 3 of 1,614,028 alleles (0.00019%); highest among the groups gnomAD compares: Non-Finnish European, 0.00017%; no homozygotes.

Submissions (3):

Labcorp Genetics (formerly Invitae), Labcorp
Classification: Uncertain significance for Hereditary breast ovarian cancer syndrome. Last evaluated: 2025-09-27. Review status: criteria provided, single submitter. Criteria: Invitae Variant Classification Sherloc (09022015). Collection method: clinical testing. Allele origin: germline.
Comment: This sequence change replaces arginine, which is basic and polar, with lysine, which is basic and polar, at codon 1397 of the BRCA1 protein (p.Arg1397Lys). This variant is present in population databases (rs767421571, gnomAD no frequency). This variant has not been reported in the literature in individuals affected with BRCA1-related conditions. ClinVar contains an entry for this variant (Variation ID: 630120). Invitae Evidence Modeling of protein sequence and biophysical properties (such as structural, functional, and spatial information, amino acid conservation, physicochemical variation, residue mobility, and thermodynamic stability) indicates that this missense variant is not expected to disrupt BRCA1 protein function with a negative predictive value of 80%. In summary, the available evidence is currently insufficient to determine the role of this variant in disease. Therefore, it has been classified as a Variant of Uncertain Significance.

Ambry Genetics
Classification: Uncertain significance for Hereditary cancer-predisposing syndrome. Last evaluated: 2023-05-04. Review status: criteria provided, single submitter. Criteria: Ambry Variant Classification Scheme 2023. Collection method: clinical testing. Allele origin: germline.
Comment: The p.R1397K variant (also known as c.4190G>A), located in coding exon 11 of the BRCA1 gene, results from a G to A substitution at nucleotide position 4190. The arginine at codon 1397 is replaced by lysine, an amino acid with highly similar properties. This amino acid position is conserved. In addition, the in silico prediction for this alteration is inconclusive. Since supporting evidence is limited at this time, the clinical significance of this alteration remains unclear.

Color Diagnostics, LLC DBA Color Health
Classification: Uncertain significance for Hereditary cancer-predisposing syndrome. Last evaluated: 2019-06-22. Review status: criteria provided, single submitter. Criteria: ACMG Guidelines, 2015. Collection method: clinical testing. Allele origin: germline.